The following is an entry in ClinVar:

NM_001101426.4(CRPPA):c.1282C>A (p.Gln428Lys)

Gene: CRPPA (CDP-L-ribitol pyrophosphorylase A; minus strand). Cytogenetic location: 7p21.2.
Variant type: single nucleotide variant.
Coding change: c.1282C>A on transcript NM_001101426.4 (MANE Select); coding-DNA position 1282, C replaced by A.
Protein change: p.Gln428Lys; replaces glutamine 428 with lysine.
Molecular consequence: missense variant. On other transcripts: non-coding transcript variant (1).
Genome position (GRCh38, 1-based): chr7:16,091,769, G>T on the plus strand (C>A on the coding strand, the complement: CRPPA is on the minus strand). VCF-style: chr7-16091769-G-T. GRCh37 (hg19) VCF-style: chr7-16131394-G-T.
Other names: c.1282C>A (NM_001101426.3); c.1132C>A, p.Gln378Lys (NM_001101417.4); c.1177C>A, p.Gln393Lys (NM_001368197.1); short protein forms Q378K, Q393K, Q428K.
Identifiers: ClinVar variation 1680738 (VCV001680738.9), dbSNP rs985567350, ClinGen allele CA154724621.
Genomic context (GRCh38, chr7:16,091,769, plus strand): 5'-GCTGACCAATGAGTCCAGAATTTCTTTCCTTGATTAATGAAGCAATAATGATAGCACCTT[G>T]CCTTAAACTCTCCTGTAGCTTCTGATCATCCTGAAAAGAAAGGATAAACCAGTAATATTT-3'
Protein context (NP_001094896.1, residues 418-438): DDQKLQESLR[Gln428Lys]GAIIIASLIK

ClinVar aggregate classification (germline): Uncertain significance. Review status: criteria provided, multiple submitters, no conflicts (2 of 4 stars). 2 submissions from 2 submitters: Uncertain significance (2). Last evaluated 2021-08-10.

Conditions:
Muscular dystrophy-dystroglycanopathy (congenital with brain and eye anomalies), type A, 7. Also called: WALKER-WARBURG SYNDROME OR MUSCLE-EYE-BRAIN DISEASE, ISPD-RELATED; Congenital muscular dystrophy-dystroglycanopathy with brain and eye anomalies, type A7. Identifiers: Orphanet 899, MedGen C3553330, MONDO:0013835, OMIM 614643.
Autosomal recessive limb-girdle muscular dystrophy type 2U. Also called: Muscular dystrophy-dystroglycanopathy (limb-girdle), type c, 7; MUSCULAR DYSTROPHY, LIMB-GIRDLE, TYPE 2U. Identifiers: Orphanet 352479, MedGen C5190987, MONDO:0014474, OMIM 616052.

Allele frequency attached by ClinVar (database versions not stated): gnomAD 0.00001; TOPMed 0.00001.
gnomAD v4.1: 13 of 1,552,192 alleles (0.00084%); highest among the groups gnomAD compares: Non-Finnish European, 0.0011%; no homozygotes.

Submissions (2):

Ambry Genetics
Classification: Uncertain significance. Last evaluated: 2021-08-10. Review status: criteria provided, single submitter. Criteria: Ambry Variant Classification Scheme 2023. Collection method: clinical testing. Allele origin: germline.

Labcorp Genetics (formerly Invitae), Labcorp
Classification: Uncertain significance for Muscular dystrophy-dystroglycanopathy (congenital with brain and eye anomalies), type A, 7; Autosomal recessive limb-girdle muscular dystrophy type 2U. Last evaluated: 2021-03-03. Review status: criteria provided, single submitter. Criteria: Invitae Variant Classification Sherloc (09022015). Collection method: clinical testing. Allele origin: germline.
Comment: This variant has not been reported in the literature in individuals with ISPD-related conditions. This sequence change replaces glutamine with lysine at codon 428 of the ISPD protein (p.Gln428Lys). The glutamine residue is weakly conserved and there is a small physicochemical difference between glutamine and lysine. This variant is not present in population databases (ExAC no frequency). Algorithms developed to predict the effect of missense changes on protein structure and function (SIFT, PolyPhen-2, Align-GVGD) all suggest that this variant is likely to be tolerated, but these predictions have not been confirmed by published functional studies and their clinical significance is uncertain. In summary, the available evidence is currently insufficient to determine the role of this variant in disease. Therefore, it has been classified as a Variant of Uncertain Significance.